The following is an entry in ClinVar:

NM_003072.5(SMARCA4):c.3894C>G (p.Asp1298Glu)

Gene: SMARCA4 (SWI/SNF related BAF chromatin remodeling complex subunit ATPase 4; plus strand). Cytogenetic location: 19p13.2.
Variant type: single nucleotide variant.
Coding change: c.3894C>G on transcript NM_003072.5 (MANE Select); coding-DNA position 3894, C replaced by G.
Protein change: p.Asp1298Glu; replaces aspartic acid 1298 with glutamic acid.
Molecular consequence: missense variant. On other transcripts: non-coding transcript variant (1).
Genome position (GRCh38, 1-based): chr19:11,034,143, C>G. VCF-style: chr19-11034143-C-G. GRCh37 (hg19) VCF-style: chr19-11144819-C-G.
Other names: c.3894C>G, p.Asp1298Glu (NM_001128844.3, NM_001128849.3, NM_001387283.1); c.3795C>G, p.Asp1265Glu (NM_001128845.2, NM_001128846.2, NM_001128847.4 and 3 more transcripts); short protein forms D1265E, D1298E.
Identifiers: ClinVar variation 1735920 (VCV001735920.2), dbSNP rs373041389, ClinGen allele CA404067814.

ClinVar aggregate classification (germline): Uncertain significance (1 of 4 stars; one submission).

Conditions:
Hereditary cancer-predisposing syndrome. Also called: Neoplastic Syndromes, Hereditary; Tumor predisposition; Hereditary Cancer Syndrome; Hereditary neoplastic syndrome. Identifiers: Orphanet 140162, MedGen C0027672, MeSH D009386, MONDO:0015356.

Submission:

Ambry Genetics
Classification: Uncertain significance for Hereditary cancer-predisposing syndrome. Last evaluated: 2021-08-03. Review status: criteria provided, single submitter. Criteria: Ambry Variant Classification Scheme 2023. Collection method: clinical testing. Allele origin: germline.
Comment: The p.D1298E variant (also known as c.3894C>G), located in coding exon 27 of the SMARCA4 gene, results from a C to G substitution at nucleotide position 3894. The aspartic acid at codon 1298 is replaced by glutamic acid, an amino acid with highly similar properties. This amino acid position is highly conserved in available vertebrate species. In addition, the in silico prediction for this alteration is inconclusive. Missense and in-frame variants in SMARCA4 are known to cause neurodevelopmental disorders; however, such associations with rhabdoid tumor predisposition syndrome including small cell carcinoma of the ovary-hypercalcemic type (SCCOHT) are exceedingly rare (Kosho T et al. Am J Med Genet C Semin Med Genet. 2014 Sep;166C(3):262-75; Jelinic P et al. Nat Genet. 2014 May;46(5):424-6). Based on the supporting evidence, the association of this alteration with Coffin-Siris syndrome is unknown; however, the association of this alteration with rhabdoid tumor predisposition syndrome is unlikely.